The following is an entry in ClinVar:

NM_177438.3(DICER1):c.5156A>G (p.His1719Arg)

Gene: DICER1 (dicer 1, ribonuclease III; minus strand). Cytogenetic location: 14q32.13.
Variant type: single nucleotide variant.
Coding change: c.5156A>G on transcript NM_177438.3 (MANE Select); coding-DNA position 5156, A replaced by G.
Protein change: p.His1719Arg; replaces histidine 1719 with arginine.
Molecular consequence: missense variant. On other transcripts: non-coding transcript variant (6).
Genome position (GRCh38, 1-based): chr14:95,094,096, T>C on the plus strand (A>G on the coding strand, the complement: DICER1 is on the minus strand). VCF-style: chr14-95094096-T-C. GRCh37 (hg19) VCF-style: chr14-95560433-T-C.
Other names: c.4751A>G, p.His1584Arg (NM_001395688.1, NM_001395689.1, NM_001395690.1 and 1 more transcripts); c.4589A>G, p.His1530Arg (NM_001395691.1); c.3473A>G, p.His1158Arg (NM_001395697.1); c.5156A>G, p.His1719Arg (NM_030621.4, NM_001195573.1, NM_001271282.3 and 8 more transcripts); c.4874A>G, p.His1625Arg (NM_001395686.1); short protein forms H1719R, H1158R, H1584R, H1530R, H1625R.
Identifiers: ClinVar variation 4746781 (VCV004746781.1).
Genomic context (GRCh38, chr14:95,094,096, plus strand): 5'-AGGGCAGACCGCAGGTCTGTCAGGACCCCCGGGGAGTGCTGCCGCGGGTCTTCATAAAGG[T>C]GCTTGGTTATGAGGTAGTCCAAAATCGCATCTCCCAGGAATTCTAAGCGCTGGTAACAAT-3'
Protein context (NP_803187.1, residues 1709-1729): DAILDYLITK[His1719Arg]LYEDPRQHSP

ClinVar aggregate classification (germline): Uncertain significance (1 of 4 stars; one submission).

Conditions:
DICER1-related tumor predisposition. Also called: DICER1-related pleuropulmonary blastoma cancer predisposition syndrome; DICER1 syndrome. Identifiers: Orphanet 284343, MedGen C3839822, MONDO:0100216.

Submission:

Labcorp Genetics (formerly Invitae), Labcorp
Classification: Uncertain significance for DICER1-related tumor predisposition. Last evaluated: 2025-04-13. Review status: criteria provided, single submitter. Criteria: Invitae Variant Classification Sherloc (09022015). Collection method: clinical testing. Allele origin: germline.
Comment: This sequence change replaces histidine, which is basic and polar, with arginine, which is basic and polar, at codon 1719 of the DICER1 protein (p.His1719Arg). This variant is not present in population databases (gnomAD no frequency). This variant has not been reported in the literature in individuals affected with DICER1-related conditions. Invitae Evidence Modeling of protein sequence and biophysical properties (such as structural, functional, and spatial information, amino acid conservation, physicochemical variation, residue mobility, and thermodynamic stability) has been performed for this missense variant. However, the output from this modeling did not meet the statistical confidence thresholds required to predict the impact of this variant on DICER1 protein function. In summary, the available evidence is currently insufficient to determine the role of this variant in disease. Therefore, it has been classified as a Variant of Uncertain Significance.